The following is an entry in ClinVar:

ClinVar aggregate classification (germline): Pathogenic. Review status: criteria provided, multiple submitters, no conflicts (2 of 4 stars). 2 submissions from 2 submitters: Pathogenic (2). Last evaluated 2024-01-15.

Conditions:
Heterotopia, periventricular, X-linked dominant (PVNH1). Also called: PERIVENTRICULAR NODULAR HETEROTOPIA 1; X-linked periventricular heterotopia; PERIVENTRICULAR NODULAR HETEROTOPIA 4; HETEROTOPIA, PERIVENTRICULAR, 1. Identifiers: Orphanet 2149, Orphanet 82004, MedGen C1848213, MONDO:0010233, OMIM 300049.
Melnick-Needles syndrome (MNS). Also called: Melnick-Needles Syndrome (FLNA-MNS); MELNICK-NEEDLES OSTEODYSPLASTY; OSTEODYSPLASTY OF MELNICK AND NEEDLES. Identifiers: Orphanet 2484, MedGen C0025237, MONDO:0010650, OMIM 309350.
Frontometaphyseal dysplasia (FMD1). Identifiers: Orphanet 1826, MedGen C0265293, MONDO:0015942.
Oto-palato-digital syndrome, type II (OPD2). Also called: Otopalatodigital Syndrome Type 2 (FLNA-OPD2); FACIOPALATOOSSEOUS SYNDROME; OPD II SYNDROME; Otopalatodigital Syndrome, Type II. Identifiers: Orphanet 669, Orphanet 90652, MedGen C1844696, MONDO:0010571, OMIM 304120.

Submissions (2):

Labcorp Genetics (formerly Invitae), Labcorp
Classification: Pathogenic for Oto-palato-digital syndrome, type II; Heterotopia, periventricular, X-linked dominant; Frontometaphyseal dysplasia; Melnick-Needles syndrome. Last evaluated: 2024-01-15. Review status: criteria provided, single submitter. Criteria: Invitae Variant Classification Sherloc (09022015). Collection method: clinical testing. Allele origin: germline.
Comment: This sequence change creates a premature translational stop signal (p.Val2124Glufs*26) in the FLNA gene. It is expected to result in an absent or disrupted protein product. Loss-of-function variants in FLNA are known to be pathogenic (PMID: 16684786, 20730588, 26471271). This variant is not present in population databases (gnomAD no frequency). This variant has not been reported in the literature in individuals affected with FLNA-related conditions. For these reasons, this variant has been classified as Pathogenic.

Institute of Human Genetics, University of Leipzig Medical Center
Classification: Pathogenic for Heterotopia, periventricular, X-linked dominant. Last evaluated: 2018-06-26. Review status: criteria provided, single submitter. Criteria: ACMG Guidelines, 2015. Collection method: clinical testing. Allele origin: de novo. Inheritance: X-linked dominant inheritance. Affected: yes.

Literature cited by the submitters: PubMed 16684786 (cited by Labcorp Genetics (formerly Invitae), Labcorp); PubMed 20730588 (cited by Labcorp Genetics (formerly Invitae), Labcorp); PubMed 26471271 (cited by Labcorp Genetics (formerly Invitae), Labcorp).

NM_001110556.2(FLNA):c.6395_6396del (p.Val2132fs)

Gene: FLNA (filamin A; minus strand). Cytogenetic location: Xq28.
Variant type: Microsatellite.
Coding change: c.6395_6396del on transcript NM_001110556.2 (MANE Select); coding-DNA positions 6395 to 6396, 2 bases deleted (TG; older notation c.6395_6396delTG).
Protein change: p.Val2132fs; shifts the reading frame from valine 2132.
Molecular consequence: frameshift variant.
Genome position (GRCh38, 1-based): chrX:154,352,659-154,352,660, CA deleted on the plus strand (TG on the coding strand, the reverse complement: FLNA is on the minus strand); deleting any 2 consecutive bases within chrX:154,352,659-154,352,662 gives the same sequence; the c. name uses the placement nearest the transcript's 3' end. VCF-style (leftmost placement, unchanged base first): chrX-154352658-TCA-T. GRCh37 (hg19) VCF-style: chrX-153581026-TCA-T.
Other names: c.6371_6372del (NM_001456.3); c.6371_6372del, p.Val2124fs (NM_001456.4); short protein forms V2132fs, V2124fs.
Identifiers: ClinVar variation 2952719 (VCV002952719.4), dbSNP rs2522721718, ClinGen allele CA2740090188.